The following is an entry in ClinVar:

ClinVar aggregate classification (germline): Likely benign (1 of 4 stars; one submission).

Allele frequency attached by ClinVar (database versions not stated): 1000 Genomes Project 0.00060; gnomAD 0.00060; 1000 Genomes Project 30x 0.00062; ExAC 0.00068; TOPMed 0.00076; ESP Exome Variant Server 0.00085.
gnomAD v4.1: 975 of 1,608,014 alleles (0.061%); highest among the groups gnomAD compares: Middle Eastern, 0.17%; 4 homozygotes.

Submission:

CeGaT Center for Human Genetics Tuebingen
Classification: Likely benign. Last evaluated: 2023-05-01. Review status: criteria provided, single submitter. Criteria: CeGaT Center For Human Genetics Tuebingen Variant Classification Criteria Version 2. Collection method: clinical testing. Allele origin: germline. Affected: yes. Observed: 1 variant allele.
Comment: DDR1: BS1

NM_001297654.2(DDR1):c.1710C>T (p.Ala570=)

Gene: DDR1 (discoidin domain receptor tyrosine kinase 1; plus strand). Cytogenetic location: 6p21.33.
Variant type: single nucleotide variant.
Coding change: c.1710C>T on transcript NM_001297654.2 (MANE Select); coding-DNA position 1710, C replaced by T.
Protein change: p.Ala570=; no amino-acid change (alanine 570 retained).
Molecular consequence: synonymous variant. On other transcripts: intron variant (2).
Genome position (GRCh38, 1-based): chr6:30,896,706, C>T. VCF-style: chr6-30896706-C-T. GRCh37 (hg19) VCF-style: chr6-30864483-C-T.
Other names: c.1599C>T, p.Ala533= (NM_001202523.3, NM_001297652.2, NM_001297653.2 and 15 more transcripts); c.1710C>T, p.Ala570= (NM_001387892.1, NM_001387893.1, NM_001387894.1 and 12 more transcripts); c.1653C>T, p.Ala551= (NM_001410869.1); c.1514-308C>T (NM_001202521.1); c.1432-308C>T (NM_001202522.1).
Identifiers: ClinVar variation 2656344 (VCV002656344.24), dbSNP rs143821899, ClinGen allele CA3704687.